The following is an entry in ClinVar:

ClinVar aggregate classification (germline): Uncertain significance (1 of 4 stars; one submission).

Submission:

CeGaT Center for Human Genetics Tuebingen
Classification: Uncertain significance. Last evaluated: 2023-06-01. Review status: criteria provided, single submitter. Criteria: CeGaT Center For Human Genetics Tuebingen Variant Classification Criteria Version 2. Collection method: clinical testing. Allele origin: germline. Affected: yes. Observed: 1 variant allele.
Comment: MYH2: PM2, PVS1:Moderate

NM_017534.6(MYH2):c.4326del (p.Asn1442fs)

Genes: MYH2 (myosin heavy chain 2; minus strand), MYHAS (myosin heavy chain gene cluster antisense RNA; plus strand). Cytogenetic location: 17p13.1.
Variant type: Deletion.
Coding change: c.4326del on transcript NM_017534.6 (MANE Select); coding-DNA position 4326, one base deleted (T; older notation c.4326delT).
Protein change: p.Asn1442fs; shifts the reading frame from asparagine 1442.
Molecular consequence: frameshift variant.
Genome position (GRCh38, 1-based): chr17:10,525,738, A deleted on the plus strand (T on the coding strand, the reverse complement: MYH2 is on the minus strand). VCF-style (leftmost placement, unchanged base first): chr17-10525737-CA-C. GRCh37 (hg19) VCF-style: chr17-10429054-CA-C.
Other names: c.4326del, p.Asn1442fs (NM_001100112.2); short protein forms N1442fs.
Identifiers: ClinVar variation 2647478 (VCV002647478.24), dbSNP rs2508417281, ClinGen allele CA2636119155.